The following is an entry in ClinVar:

NM_000426.4(LAMA2):c.8076-7C>G

Gene: LAMA2 (laminin subunit alpha 2; plus strand). Cytogenetic location: 6q22.33.
Variant type: single nucleotide variant.
Coding change: c.8076-7C>G on transcript NM_000426.4 (MANE Select); 7 bases into the intron before coding-DNA position 8076, C replaced by G.
Molecular consequence: intron variant.
Genome position (GRCh38, 1-based): chr6:129,492,308, C>G. VCF-style: chr6-129492308-C-G. GRCh37 (hg19) VCF-style: chr6-129813453-C-G.
Other names: c.8064-7C>G (NM_001079823.2).
Identifiers: ClinVar variation 426717 (VCV000426717.10), dbSNP rs555377928, ClinGen allele CA146918203.

ClinVar aggregate classification (germline): Conflicting classifications of pathogenicity. Review status: criteria provided, conflicting classifications (1 of 4 stars). 2 submissions from 2 submitters: Uncertain significance (1); Likely benign (1). Last evaluated 2025-10-12.

Conditions:
LAMA2-related muscular dystrophy (LAMA2-RD). Also called: Laminin alpha 2-related dystrophy. Identifiers: MedGen C5679788, MONDO:0100228.

Allele frequency attached by ClinVar (database versions not stated): gnomAD exomes below 0.00001 and 0.00002; gnomAD 0.00001; TOPMed 0.00001.
gnomAD v4.1: 36 of 1,613,212 alleles (0.0022%); highest among the groups gnomAD compares: Non-Finnish European, 0.003%; no homozygotes.

Submissions (2):

Labcorp Genetics (formerly Invitae), Labcorp
Classification: Likely benign for LAMA2-related muscular dystrophy. Last evaluated: 2025-10-12. Review status: criteria provided, single submitter. Criteria: Invitae Variant Classification Sherloc (09022015). Collection method: clinical testing. Allele origin: germline.

GeneDx
Classification: Uncertain significance. Last evaluated: 2017-04-06. Review status: criteria provided, single submitter. Criteria: GeneDx Variant Classification (06012015). Collection method: clinical testing. Allele origin: germline. Affected: yes.
Comment: The c.8076-7 C>G variant has not been published as a pathogenic variant, nor has it been reported as a benign variant to our knowledge. This variant is not observed in large population cohorts (Lek et al., 2016; 1000 Genomes Consortium et al., 2015; Exome Variant Server). Multiple in-silico algorithms predict that c.8076-7 C>G may damage the natural splice acceptor site of intron 57 and lead to abnormal gene splicing. However, in the absence of RNA/functional studies, the actual effect of this sequence change in this individual is unknown.